The following is an entry in ClinVar:

ClinVar aggregate classification (germline): Benign. Review status: criteria provided, multiple submitters, no conflicts (2 of 4 stars). 3 submissions from 3 submitters: Benign (3). Last evaluated 2018-01-13.

Conditions:
Hereditary spastic paraplegia 8 (SPG8). Also called: SPASTIC PARAPLEGIA 8, AUTOSOMAL DOMINANT. Identifiers: Orphanet 100989, MedGen C1863704, MONDO:0011339, OMIM 603563.

Allele frequency attached by ClinVar (database versions not stated): gnomAD exomes 0.04629; gnomAD 0.13051 and 0.13285; TOPMed 0.13894; 1000 Genomes Project 0.17532; 1000 Genomes Project 30x 0.17676.
gnomAD v4.1: 50,401 of 805,654 alleles (6.3%); highest among the groups gnomAD compares: African/African-American, 37%; 5,272 homozygotes.

Submissions (3):

Illumina Laboratory Services, Illumina
Classification: Benign for Hereditary spastic paraplegia 8. Last evaluated: 2018-01-13. Review status: criteria provided, single submitter. Criteria: ICSL Variant Classification Criteria 13 December 2019. Collection method: clinical testing. Allele origin: germline.
Comment: This variant was observed in the ICSL laboratory as part of a predisposition screen in an ostensibly healthy population. It had not been previously curated by ICSL or reported in the Human Gene Mutation Database (HGMD: prior to June 1st, 2018), and was therefore a candidate for classification through an automated scoring system. Utilizing variant allele frequency, disease prevalence and penetrance estimates, and inheritance mode, an automated score was calculated to assess if this variant is too frequent to cause the disease. Based on the score and internal cut-off values, a variant classified as benign is not then subjected to further curation. The score for this variant resulted in a classification of benign for this disease.

GeneDx
Classification: Benign. Last evaluated: 2016-02-24. Review status: criteria provided, single submitter. Criteria: GeneDx Variant Classification (06012015). Collection method: clinical testing. Allele origin: germline. Affected: yes.
Comment: This variant is considered likely benign or benign based on one or more of the following criteria: it is a conservative change, it occurs at a poorly conserved position in the protein, it is predicted to be benign by multiple in silico algorithms, and/or has population frequency not consistent with disease.

Breakthrough Genomics
Classification: Benign. Review status: criteria provided, single submitter. Criteria: ACMG Guidelines, 2015. Collection method: not provided. Allele origin: germline. Inheritance: Autosomal recessive inheritance. Affected: yes.

NM_014846.4(WASHC5):c.-124-10G>T

Gene: WASHC5 (WASH complex subunit 5; minus strand). Cytogenetic location: 8q24.13.
Variant type: single nucleotide variant.
Coding change: c.-124-10G>T on transcript NM_014846.4 (MANE Select); 10 bases into the intron before 124 bases upstream of the start codon, G replaced by T.
Molecular consequence: intron variant.
Genome position (GRCh38, 1-based): chr8:125,084,032, C>A on the plus strand (G>T on the coding strand, the complement: WASHC5 is on the minus strand). VCF-style: chr8-125084032-C-A. GRCh37 (hg19) VCF-style: chr8-126096274-C-A.
Other names: c.-258-774G>T (NM_001330609.2).
Identifiers: ClinVar variation 361737 (VCV000361737.6), dbSNP rs16900369, ClinGen allele CA10630076.